The following is an entry in ClinVar:

ClinVar aggregate classification (germline): Uncertain significance (1 of 4 stars; one submission).

Conditions:
PLXNA4-related disorder. Also called: PLXNA4-related condition.

gnomAD v4.1: 3 of 1,614,096 alleles (0.00019%); highest among the groups gnomAD compares: Non-Finnish European, 0.00025%; no homozygotes.

Submission:

PreventionGenetics, part of Exact Sciences
Classification: Uncertain significance for PLXNA4-related condition. Last evaluated: 2026-04-27. Review status: criteria provided, single submitter. Criteria: ACMG Guidelines, 2015. Collection method: clinical testing. Allele origin: germline.
Comment: The PLXNA4 c.3097G>A variant is predicted to result in the amino acid substitution p.Val1033Ile. To our knowledge, this variant has not been reported in the literature. This variant is reported in 0.0031% of alleles in individuals of European (Non-Finnish) descent in gnomAD. At this time, the clinical significance of this variant is uncertain due to the absence of conclusive functional and genetic evidence.

NM_020911.2(PLXNA4):c.3097G>A (p.Val1033Ile)

Gene: PLXNA4 (plexin A4; minus strand). Cytogenetic location: 7q32.3.
Variant type: single nucleotide variant.
Coding change: c.3097G>A on transcript NM_020911.2 (MANE Select); coding-DNA position 3097, G replaced by A.
Protein change: p.Val1033Ile; replaces valine 1033 with isoleucine.
Molecular consequence: missense variant.
Genome position (GRCh38, 1-based): chr7:132,185,360, C>T on the plus strand (G>A on the coding strand, the complement: PLXNA4 is on the minus strand). VCF-style: chr7-132185360-C-T. GRCh37 (hg19) VCF-style: chr7-131870119-C-T.
Other names: c.3097G>A, p.Val1033Ile (NM_001393897.1); short protein forms V1033I.
Identifiers: ClinVar variation 4985551 (VCV004985551.1).